The following is an entry in ClinVar:

ClinVar aggregate classification (germline): Uncertain significance. Review status: criteria provided, multiple submitters, no conflicts (2 of 4 stars). 2 submissions from 2 submitters: Uncertain significance (2). Last evaluated 2025-10-13.

Conditions:
Hereditary cancer-predisposing syndrome. Also called: Hereditary Cancer Syndrome; Hereditary neoplastic syndrome; Neoplastic Syndromes, Hereditary; Tumor predisposition. Identifiers: Orphanet 140162, MedGen C0027672, MeSH D009386, MONDO:0015356.
Bloom syndrome (BLM). Also called: Bloom-Torre-Machacek syndrome. Identifiers: Orphanet 125, MedGen C0005859, MONDO:0008876, OMIM 210900.

Submissions (2):

Labcorp Genetics (formerly Invitae), Labcorp
Classification: Uncertain significance for Bloom syndrome. Last evaluated: 2025-10-13. Review status: criteria provided, single submitter. Criteria: Invitae Variant Classification Sherloc (09022015). Collection method: clinical testing. Allele origin: germline.
Comment: This sequence change replaces threonine, which is neutral and polar, with isoleucine, which is neutral and non-polar, at codon 446 of the BLM protein (p.Thr446Ile). This variant is not present in population databases (gnomAD no frequency). This variant has not been reported in the literature in individuals affected with BLM-related conditions. ClinVar contains an entry for this variant (Variation ID: 1770268). Invitae Evidence Modeling of protein sequence and biophysical properties (such as structural, functional, and spatial information, amino acid conservation, physicochemical variation, residue mobility, and thermodynamic stability) indicates that this missense variant is not expected to disrupt BLM protein function with a negative predictive value of 80%. In summary, the available evidence is currently insufficient to determine the role of this variant in disease. Therefore, it has been classified as a Variant of Uncertain Significance.

Ambry Genetics
Classification: Uncertain significance for Hereditary cancer-predisposing syndrome. Last evaluated: 2021-04-06. Review status: criteria provided, single submitter. Criteria: Ambry Variant Classification Scheme 2023. Collection method: clinical testing. Allele origin: germline.
Comment: The p.T446I variant (also known as c.1337C>T), located in coding exon 6 of the BLM gene, results from a C to T substitution at nucleotide position 1337. The threonine at codon 446 is replaced by isoleucine, an amino acid with similar properties. This amino acid position is poorly conserved in available vertebrate species. In addition, this alteration is predicted to be tolerated by in silico analysis. Since supporting evidence is limited at this time, the clinical significance of this alteration remains unclear.

NM_000057.4(BLM):c.1337C>T (p.Thr446Ile)

Gene: BLM (BLM RecQ like helicase; plus strand). Cytogenetic location: 15q26.1.
Variant type: single nucleotide variant.
Coding change: c.1337C>T on transcript NM_000057.4 (MANE Select); coding-DNA position 1337, C replaced by T.
Protein change: p.Thr446Ile; replaces threonine 446 with isoleucine.
Molecular consequence: missense variant.
Genome position (GRCh38, 1-based): chr15:90,760,710, C>T. VCF-style: chr15-90760710-C-T. GRCh37 (hg19) VCF-style: chr15-91303940-C-T.
Other names: c.1337C>T, p.Thr446Ile (NM_001287246.2, NM_001287247.2); c.212C>T, p.Thr71Ile (NM_001287248.2); short protein forms T446I, T71I.
Identifiers: ClinVar variation 1770268 (VCV001770268.5), dbSNP rs1447973805, ClinGen allele CA393842844.